The following is an entry in ClinVar:

ClinVar aggregate classification (germline): Uncertain significance. Review status: criteria provided, multiple submitters, no conflicts (2 of 4 stars). 3 submissions from 3 submitters: Uncertain significance (3). Last evaluated 2025-06-19.

Conditions:
Inborn genetic diseases. Identifiers: MedGen C0950123, MeSH D030342.

Allele frequency attached by ClinVar (database versions not stated): gnomAD exomes 0.00002; gnomAD 0.00003; TOPMed 0.00004; ExAC 0.00006.
gnomAD v4.1: 37 of 1,610,214 alleles (0.0023%); highest among the groups gnomAD compares: African/African-American, 0.012%; no homozygotes.

Submissions (3):

Ambry Genetics
Classification: Uncertain significance for Inborn genetic diseases. Last evaluated: 2025-06-19. Review status: criteria provided, single submitter. Criteria: Ambry Variant Classification Scheme 2023. Collection method: clinical testing. Allele origin: germline.

Labcorp Genetics (formerly Invitae), Labcorp
Classification: Uncertain significance. Last evaluated: 2024-08-31. Review status: criteria provided, single submitter. Criteria: Invitae Variant Classification Sherloc (09022015). Collection method: clinical testing. Allele origin: germline.
Comment: This sequence change replaces valine, which is neutral and non-polar, with methionine, which is neutral and non-polar, at codon 2527 of the TENM3 protein (p.Val2527Met). The frequency data for this variant in the population databases is considered unreliable, as metrics indicate poor data quality at this position in the gnomAD database. This variant has not been reported in the literature in individuals affected with TENM3-related conditions. ClinVar contains an entry for this variant (Variation ID: 2511048). Invitae Evidence Modeling of protein sequence and biophysical properties (such as structural, functional, and spatial information, amino acid conservation, physicochemical variation, residue mobility, and thermodynamic stability) indicates that this missense variant is not expected to disrupt TENM3 protein function with a negative predictive value of 80%. In summary, the available evidence is currently insufficient to determine the role of this variant in disease. Therefore, it has been classified as a Variant of Uncertain Significance.

Blueprint Genetics
Classification: Uncertain significance. Last evaluated: 2022-12-26. Review status: criteria provided, single submitter. Criteria: ACMG Guidelines, 2015. Collection method: clinical testing. Allele origin: germline.

NM_001080477.4(TENM3):c.7579G>A (p.Val2527Met)

Gene: TENM3 (teneurin transmembrane protein 3; plus strand). Cytogenetic location: 4q35.1.
Variant type: single nucleotide variant.
Coding change: c.7579G>A on transcript NM_001080477.4 (MANE Select); coding-DNA position 7579, G replaced by A.
Protein change: p.Val2527Met; replaces valine 2527 with methionine.
Molecular consequence: missense variant.
Genome position (GRCh38, 1-based): chr4:182,799,830, G>A. VCF-style: chr4-182799830-G-A. GRCh37 (hg19) VCF-style: chr4-183720983-G-A.
Other names: c.6811G>A, p.Val2271Met (NM_001415960.1); c.6784G>A, p.Val2262Met (NM_001415961.1); c.6781G>A, p.Val2261Met (NM_001415962.1); c.6763G>A, p.Val2255Met (NM_001415963.1); c.6760G>A, p.Val2254Met (NM_001415964.1); c.7297G>A, p.Val2433Met (NM_001415966.1); c.7321G>A, p.Val2441Met (NM_001415967.1); c.7597G>A, p.Val2533Met (NM_001415968.1); and 4 more; short protein forms V2434M, V2441M, V2255M, V2262M, V2533M, V2527M, V2254M, V2261M.
Identifiers: ClinVar variation 2511048 (VCV002511048.6), dbSNP rs774755782, ClinGen allele CA3148955.